The following is an entry in ClinVar:

ClinVar aggregate classification (germline): Uncertain significance (1 of 4 stars; one submission).

Allele frequency attached by ClinVar (database versions not stated): gnomAD exomes below 0.00001; ExAC 0.00005.
gnomAD v4.1: 1 of 1,563,766 alleles (0.000064%); highest among the groups gnomAD compares: Non-Finnish European, 0.000086%; no homozygotes.

Submission:

Ambry Genetics
Classification: Uncertain significance. Last evaluated: 2023-07-27. Review status: criteria provided, single submitter. Criteria: Ambry Variant Classification Scheme 2023. Collection method: clinical testing. Allele origin: germline.
Comment: The p.D86H variant (also known as c.256G>C), located in coding exon 1 of the TERF2IP gene, results from a G to C substitution at nucleotide position 256. The aspartic acid at codon 86 is replaced by histidine, an amino acid with similar properties. This amino acid position is conserved. In addition, this alteration is predicted to be deleterious by in silico analysis. Since supporting evidence is limited at this time, the clinical significance of this alteration remains unclear.

NM_018975.4(TERF2IP):c.256G>C (p.Asp86His)

Gene: TERF2IP (TERF2 interacting protein; plus strand). Cytogenetic location: 16q23.1.
Variant type: single nucleotide variant.
Coding change: c.256G>C on transcript NM_018975.4 (MANE Select); coding-DNA position 256, G replaced by C.
Protein change: p.Asp86His; replaces aspartic acid 86 with histidine.
Molecular consequence: missense variant. On other transcripts: non-coding transcript variant (1).
Genome position (GRCh38, 1-based): chr16:75,648,138, G>C. VCF-style: chr16-75648138-G-C. GRCh37 (hg19) VCF-style: chr16-75682036-G-C.
Other names: short protein forms D86H.
Identifiers: ClinVar variation 2623135 (VCV002623135.2), dbSNP rs778839900, ClinGen allele CA8177965.